The following is an entry in ClinVar:

NM_006445.4(PRPF8):c.4011A>G (p.Gln1337=)

Gene: PRPF8 (pre-mRNA processing factor 8; minus strand). Cytogenetic location: 17p13.3.
Variant type: single nucleotide variant.
Coding change: c.4011A>G on transcript NM_006445.4 (MANE Select); coding-DNA position 4011, A replaced by G.
Protein change: p.Gln1337=; no amino-acid change (glutamine 1337 retained).
Molecular consequence: synonymous variant.
Genome position (GRCh38, 1-based): chr17:1,661,917, T>C on the plus strand (A>G on the coding strand, the complement: PRPF8 is on the minus strand). VCF-style: chr17-1661917-T-C. GRCh37 (hg19) VCF-style: chr17-1565211-T-C.
Identifiers: ClinVar variation 321886 (VCV000321886.23), dbSNP rs118000367, ClinGen allele CA8271761.

ClinVar aggregate classification (germline): Benign. Review status: criteria provided, multiple submitters, no conflicts (2 of 4 stars). 5 submissions from 5 submitters: Benign (5). Last evaluated 2026-02-02.

Conditions:
Retinitis pigmentosa (RP). Identifiers: Orphanet 791, MedGen C0035334, MeSH D012174, MONDO:0019200, OMIM 268000. Inheritance: Autosomal dominant, autosomal recessive and X linked inheritance.
Retinitis pigmentosa 13 (RP13). Also called: PRPF 8-Related Retinitis Pigmentosa. Identifiers: Orphanet 791, MedGen C1838702, MONDO:0010806, OMIM 600059.
Retinal dystrophy. Also called: Inherited retinal dystrophy. Identifiers: Orphanet 71862, MedGen C0854723, MeSH D058499, MONDO:0019118, HP:0000556.

Allele frequency attached by ClinVar (database versions not stated): gnomAD exomes 0.01875 and 0.02265; gnomAD 0.01936 and 0.01873; ESP Exome Variant Server 0.01968; 1000 Genomes Project 0.00759; 1000 Genomes Project 30x 0.00796; TOPMed 0.01704; ExAC 0.01860.
gnomAD v4.1: 35,767 of 1,614,062 alleles (2.2%); highest among the groups gnomAD compares: Non-Finnish European, 2.6%; 478 homozygotes.

Submissions (5):

Labcorp Genetics (formerly Invitae), Labcorp
Classification: Benign. Last evaluated: 2026-02-02. Review status: criteria provided, single submitter. Criteria: Invitae Variant Classification Sherloc (09022015). Collection method: clinical testing. Allele origin: germline.

ARUP Laboratories, Molecular Genetics and Genomics, ARUP Laboratories
Classification: Benign for Retinitis pigmentosa 13. Last evaluated: 2023-11-01. Review status: criteria provided, single submitter. Criteria: ARUP Molecular Germline Variant Investigation Process 2024. Collection method: clinical testing. Allele origin: germline.

Dept Of Ophthalmology, Nagoya University
Classification: Benign for Retinal dystrophy. Last evaluated: 2023-10-01. Review status: criteria provided, single submitter. Criteria: Submitter's publication. Collection method: research. Allele origin: germline. Affected: yes.

Illumina Laboratory Services, Illumina
Classification: Benign for Retinitis pigmentosa. Last evaluated: 2018-01-13. Review status: criteria provided, single submitter. Criteria: ICSL Variant Classification Criteria 13 December 2019. Collection method: clinical testing. Allele origin: germline.
Comment: This variant was observed in the ICSL laboratory as part of a predisposition screen in an ostensibly healthy population. It had not been previously curated by ICSL or reported in the Human Gene Mutation Database (HGMD: prior to June 1st, 2018), and was therefore a candidate for classification through an automated scoring system. Utilizing variant allele frequency, disease prevalence and penetrance estimates, and inheritance mode, an automated score was calculated to assess if this variant is too frequent to cause the disease. Based on the score and internal cut-off values, a variant classified as benign is not then subjected to further curation. The score for this variant resulted in a classification of benign for this disease.

Breakthrough Genomics
Classification: Benign. Review status: criteria provided, single submitter. Criteria: ACMG Guidelines, 2015. Collection method: not provided. Allele origin: germline. Inheritance: Autosomal dominant inheritance. Affected: yes.